The following is an entry in ClinVar:

NM_024426.6(WT1):c.1028G>A (p.Gly343Glu)

Gene: WT1 (WT1 transcription factor; minus strand). Cytogenetic location: 11p13.
Variant type: single nucleotide variant.
Coding change: c.1028G>A on transcript NM_024426.6 (MANE Select); coding-DNA position 1028, G replaced by A.
Protein change: p.Gly343Glu; replaces glycine 343 with glutamic acid.
Molecular consequence: missense variant. On other transcripts: 5 prime UTR variant (1), non-coding transcript variant (1).
Genome position (GRCh38, 1-based): chr11:32,400,033, C>T on the plus strand (G>A on the coding strand, the complement: WT1 is on the minus strand). VCF-style: chr11-32400033-C-T. GRCh37 (hg19) VCF-style: chr11-32421579-C-T.
Other names: c.977G>A, p.Gly326Glu (NM_000378.6, NM_001407045.1, NM_001407048.1 and 1 more transcripts); c.377G>A, p.Gly126Glu (NM_001198551.2); c.326G>A, p.Gly109Glu (NM_001198552.2); c.-161G>A (NM_001367854.1); c.1022G>A, p.Gly341Glu (NM_001407044.1); c.1028G>A, p.Gly343Glu (NM_001407046.1, NM_024424.5); c.905G>A, p.Gly302Glu (NM_001407047.1); c.854G>A, p.Gly285Glu (NM_001407050.1); and 2 more; short protein forms G126E, G109E, G326E, G343E, G89E, G285E, G302E, G338E.
Identifiers: ClinVar variation 1366674 (VCV001366674.9), dbSNP rs2132959011, ClinGen allele CA379960526.

ClinVar aggregate classification (germline): Uncertain significance (1 of 4 stars; one submission).

Conditions:
Drash syndrome (DDS). Also called: WILMS TUMOR AND PSEUDO- OR TRUE HERMAPHRODITISM; NEPHROPATHY, WILMS TUMOR, AND GENITAL ANOMALIES. Identifiers: Orphanet 220, MedGen C0950121, MONDO:0008682, OMIM 194080.
Frasier syndrome. Identifiers: Orphanet 347, MedGen C0950122, MeSH D052159, MONDO:0007635, OMIM 136680.
Wilms tumor 1 (WT1). Also called: Wilms tumor, somatic. Identifiers: Orphanet 654, MedGen CN033288, MONDO:0008679, OMIM 194070.
11p partial monosomy syndrome (WAGR). Also called: CHROMOSOME 11p13 DELETION SYNDROME; WAGR Complex; WAGR syndrome; WAGR Spectrum Disorder. Identifiers: Orphanet 893, MedGen C0206115, MONDO:0008681, OMIM 194072.

Submission:

Labcorp Genetics (formerly Invitae), Labcorp
Classification: Uncertain significance for Wilms tumor 1; Drash syndrome; 11p partial monosomy syndrome; Frasier syndrome. Last evaluated: 2020-11-25. Review status: criteria provided, single submitter. Criteria: Invitae Variant Classification Sherloc (09022015). Collection method: clinical testing. Allele origin: germline.
Comment: This sequence change replaces glycine with glutamic acid at codon 338 of the WT1 protein (p.Gly338Glu). The glycine residue is highly conserved and there is a moderate physicochemical difference between glycine and glutamic acid. This variant is not present in population databases (ExAC no frequency). This variant has not been reported in the literature in individuals with WT1-related conditions. Algorithms developed to predict the effect of missense changes on protein structure and function (SIFT, PolyPhen-2, Align-GVGD) all suggest that this variant is likely to be disruptive, but these predictions have not been confirmed by published functional studies and their clinical significance is uncertain. In summary, the available evidence is currently insufficient to determine the role of this variant in disease. Therefore, it has been classified as a Variant of Uncertain Significance.